The following is an entry in ClinVar:

ClinVar aggregate classification (germline): Conflicting classifications of pathogenicity. Review status: criteria provided, conflicting classifications (1 of 4 stars). 2 submissions from 2 submitters: Uncertain significance (1); Likely benign (1). Last evaluated 2026-03-25.

Conditions:
KMT2D-related disorder. Also called: KMT2D-Related Disorders.
Kabuki syndrome. Also called: NIIKAWA-KUROKI SYNDROME; Kabuki make-up syndrome. Identifiers: Orphanet 2322, MedGen C0796004, MONDO:0016512.

Allele frequency attached by ClinVar (database versions not stated): gnomAD exomes below 0.00001; ExAC 0.00001.
gnomAD v4.1: 2 of 1,613,708 alleles (0.00012%); highest among the groups gnomAD compares: Admixed American, 0.0017%; no homozygotes.

Submissions (2):

PreventionGenetics, part of Exact Sciences
Classification: Uncertain significance for KMT2D-related condition. Last evaluated: 2026-03-25. Review status: criteria provided, single submitter. Criteria: ACMG Guidelines, 2015. Collection method: clinical testing. Allele origin: germline.
Comment: The KMT2D c.11000A>G variant is predicted to result in the amino acid substitution p.Gln3667Arg. To our knowledge, this variant has not been reported in the literature. This variant is reported in 0.0029% of alleles in individuals of Latino descent in gnomAD. At this time, the clinical significance of this variant is uncertain due to the absence of conclusive functional and genetic evidence.

Labcorp Genetics (formerly Invitae), Labcorp
Classification: Likely benign for Kabuki syndrome. Last evaluated: 2024-01-28. Review status: criteria provided, single submitter. Criteria: Invitae Variant Classification Sherloc (09022015). Collection method: clinical testing. Allele origin: germline.

NM_003482.4(KMT2D):c.11000A>G (p.Gln3667Arg)

Gene: KMT2D (lysine methyltransferase 2D; minus strand). Cytogenetic location: 12q13.12.
Variant type: single nucleotide variant.
Coding change: c.11000A>G on transcript NM_003482.4 (MANE Select); coding-DNA position 11000, A replaced by G.
Protein change: p.Gln3667Arg; replaces glutamine 3667 with arginine.
Molecular consequence: missense variant.
Genome position (GRCh38, 1-based): chr12:49,033,705, T>C on the plus strand (A>G on the coding strand, the complement: KMT2D is on the minus strand). VCF-style: chr12-49033705-T-C. GRCh37 (hg19) VCF-style: chr12-49427488-T-C.
Other names: c.11000A>G (NM_003482.3); short protein forms Q3667R.
Identifiers: ClinVar variation 1607976 (VCV001607976.9), dbSNP rs776384666, ClinGen allele CA6546387.